The following is an entry in ClinVar:

ClinVar aggregate classification (germline): Uncertain significance (1 of 4 stars; one submission).

Conditions:
Autosomal dominant hypocalcemia 1 (HYPOC1). Also called: HYPOCALCEMIA, FAMILIAL. Identifiers: MedGen C3715128, MONDO:0011013, OMIM 601198.
Familial hypocalciuric hypercalcemia (FHH). Also called: Familial benign hypercalcemia. Identifiers: Orphanet 405, MedGen C1809471, MONDO:0018458.

Allele frequency attached by ClinVar (database versions not stated): TOPMed below 0.00001.

Submission:

Labcorp Genetics (formerly Invitae), Labcorp
Classification: Uncertain significance for Familial hypocalciuric hypercalcemia; Autosomal dominant hypocalcemia 1. Last evaluated: 2024-07-02. Review status: criteria provided, single submitter. Criteria: Invitae Variant Classification Sherloc (09022015). Collection method: clinical testing. Allele origin: germline.
Comment: This sequence change replaces serine, which is neutral and polar, with asparagine, which is neutral and polar, at codon 272 of the CASR protein (p.Ser272Asn). This variant is not present in population databases (gnomAD no frequency). This variant has not been reported in the literature in individuals affected with CASR-related conditions. ClinVar contains an entry for this variant (Variation ID: 651663). An algorithm developed to predict the effect of missense changes on protein structure and function (PolyPhen-2) suggests that this variant is likely to be tolerated. In summary, the available evidence is currently insufficient to determine the role of this variant in disease. Therefore, it has been classified as a Variant of Uncertain Significance.

NM_000388.4(CASR):c.815G>A (p.Ser272Asn)

Gene: CASR (calcium sensing receptor; plus strand). Cytogenetic location: 3q21.1.
Variant type: single nucleotide variant.
Coding change: c.815G>A on transcript NM_000388.4 (MANE Select); coding-DNA position 815, G replaced by A.
Protein change: p.Ser272Asn; replaces serine 272 with asparagine.
Molecular consequence: missense variant.
Genome position (GRCh38, 1-based): chr3:122,261,850, G>A. VCF-style: chr3-122261850-G-A. GRCh37 (hg19) VCF-style: chr3-121980697-G-A.
Other names: c.815G>A, p.Ser272Asn (NM_001178065.2); short protein forms S272N.
Identifiers: ClinVar variation 651663 (VCV000651663.9), dbSNP rs1576858432, ClinGen allele CA354151414.